The following is an entry in ClinVar:

NM_017755.6(NSUN2):c.137A>G (p.Lys46Arg)

Gene: NSUN2 (NOP2/Sun RNA methyltransferase 2; minus strand). Cytogenetic location: 5p15.31.
Variant type: single nucleotide variant.
Coding change: c.137A>G on transcript NM_017755.6 (MANE Select); coding-DNA position 137, A replaced by G.
Protein change: p.Lys46Arg; replaces lysine 46 with arginine.
Molecular consequence: missense variant. On other transcripts: non-coding transcript variant (1).
Genome position (GRCh38, 1-based): chr5:6,632,716, T>C on the plus strand (A>G on the coding strand, the complement: NSUN2 is on the minus strand). VCF-style: chr5-6632716-T-C. GRCh37 (hg19) VCF-style: chr5-6632829-T-C.
Other names: c.137A>G, p.Lys46Arg (NM_001193455.2); c.137A>G (NM_017755.5); short protein forms K46R.
Identifiers: ClinVar variation 2079452 (VCV002079452.3), dbSNP rs140230587, ClinGen allele CA3192918.

ClinVar aggregate classification (germline): Uncertain significance. Review status: criteria provided, multiple submitters, no conflicts (2 of 4 stars). 3 submissions from 3 submitters: Uncertain significance (3). Last evaluated 2024-12-11.

Conditions:
Inborn genetic diseases. Identifiers: MedGen C0950123, MeSH D030342.

Allele frequency attached by ClinVar (database versions not stated): ExAC 0.00004; gnomAD exomes 0.00007; ESP Exome Variant Server 0.00008; TOPMed 0.00012; gnomAD 0.00013.
gnomAD v4.1: 126 of 1,613,942 alleles (0.0078%); highest among the groups gnomAD compares: Admixed American, 0.013%; no homozygotes.

Submissions (3):

Ambry Genetics
Classification: Uncertain significance for Inborn genetic diseases. Last evaluated: 2024-12-11. Review status: criteria provided, single submitter. Criteria: Ambry Variant Classification Scheme 2023. Collection method: clinical testing. Allele origin: germline.

GeneDx
Classification: Uncertain significance. Last evaluated: 2024-02-28. Review status: criteria provided, single submitter. Criteria: GeneDx Variant Classification Process June 2021. Collection method: clinical testing. Allele origin: germline. Affected: yes.
Comment: In silico analysis supports that this missense variant does not alter protein structure/function; Has not been previously published as pathogenic or benign to our knowledge

Labcorp Genetics (formerly Invitae), Labcorp
Classification: Uncertain significance. Last evaluated: 2022-08-23. Review status: criteria provided, single submitter. Criteria: Invitae Variant Classification Sherloc (09022015). Collection method: clinical testing. Allele origin: germline.
Comment: This sequence change replaces lysine, which is basic and polar, with arginine, which is basic and polar, at codon 46 of the NSUN2 protein (p.Lys46Arg). This variant is present in population databases (rs140230587, gnomAD 0.02%). This variant has not been reported in the literature in individuals affected with NSUN2-related conditions. Algorithms developed to predict the effect of missense changes on protein structure and function (SIFT, PolyPhen-2, Align-GVGD) all suggest that this variant is likely to be tolerated. In summary, the available evidence is currently insufficient to determine the role of this variant in disease. Therefore, it has been classified as a Variant of Uncertain Significance.